The following is an entry in ClinVar:

NM_006197.4(PCM1):c.3735T>G (p.Asp1245Glu)

Gene: PCM1 (pericentriolar material 1; plus strand). Cytogenetic location: 8p22.
Variant type: single nucleotide variant.
Coding change: c.3735T>G on transcript NM_006197.4 (MANE Select); coding-DNA position 3735, T replaced by G.
Protein change: p.Asp1245Glu; replaces aspartic acid 1245 with glutamic acid.
Molecular consequence: missense variant. On other transcripts: non-coding transcript variant (1).
Genome position (GRCh38, 1-based): chr8:17,972,479, T>G. VCF-style: chr8-17972479-T-G. GRCh37 (hg19) VCF-style: chr8-17829988-T-G.
Other names: c.3735T>G, p.Asp1245Glu (NM_001315507.2, NM_001352634.2, NM_001352639.2 and 13 more transcripts); c.3738T>G, p.Asp1246Glu (NM_001315508.2, NM_001352635.2, NM_001352640.2 and 2 more transcripts); c.3852T>G, p.Asp1284Glu (NM_001352632.2, NM_001352633.2, NM_001352637.2 and 4 more transcripts); c.3855T>G, p.Asp1285Glu (NM_001352636.2); short protein forms D1245E, D1246E, D1284E, D1285E.
Identifiers: ClinVar variation 4681683 (VCV004681683.5).
Genomic context (GRCh38, chr8:17,972,479, plus strand): 5'-GACTGGATTTTCAGTGTCTGTAGAAAAATCTACAAGTAGTAACCGCAAAAATCAATTAGA[T>G]ACAAACGGAAGAAGACGCCAGTTTGATGAAGAATCACTGGAAAGCTTTAGCAGTATGCCT-3'
Protein context (NP_006188.4, residues 1235-1255): STSSNRKNQL[Asp1245Glu]TNGRRRQFDE

ClinVar aggregate classification (germline): Uncertain significance (1 of 4 stars; one submission).

Submission:

CeGaT Center for Human Genetics Tuebingen
Classification: Uncertain significance. Last evaluated: 2025-12-01. Review status: criteria provided, single submitter. Criteria: CeGaT Center For Human Genetics Tuebingen Variant Classification Criteria Version 2. Collection method: clinical testing. Allele origin: germline. Affected: yes. Observed: 1 variant allele.
Comment: PCM1: PM2, BP4